The following is an entry in ClinVar:

ClinVar aggregate classification (germline): Benign. Review status: criteria provided, multiple submitters, no conflicts (2 of 4 stars). 2 submissions from 2 submitters: Benign (2). Last evaluated 2018-06-19.

Allele frequency attached by ClinVar (database versions not stated): 1000 Genomes Project 0.07328; 1000 Genomes Project 30x 0.07651; gnomAD exomes 0.07704; TOPMed 0.10175; gnomAD 0.10323 and 0.10852.
gnomAD v4.1: 73,905 of 911,254 alleles (8.1%); highest among the groups gnomAD compares: African/African-American, 17%; 3,878 homozygotes.

Submissions (2):

GeneDx
Classification: Benign. Last evaluated: 2018-06-19. Review status: criteria provided, single submitter. Criteria: GeneDx Variant Classification (06012015). Collection method: clinical testing. Allele origin: germline. Affected: yes.
Comment: This variant is considered likely benign or benign based on one or more of the following criteria: it is a conservative change, it occurs at a poorly conserved position in the protein, it is predicted to be benign by multiple in silico algorithms, and/or has population frequency not consistent with disease.

Breakthrough Genomics
Classification: Benign. Review status: criteria provided, single submitter. Criteria: ACMG Guidelines, 2015. Collection method: not provided. Allele origin: germline. Inheritance: Autosomal dominant inheritance. Affected: yes.

NM_144670.6(A2ML1):c.3718-110T>C

Gene: A2ML1 (alpha-2-macroglobulin like 1; plus strand). Cytogenetic location: 12p13.31.
Variant type: single nucleotide variant.
Coding change: c.3718-110T>C on transcript NM_144670.6 (MANE Select); 110 bases into the intron before coding-DNA position 3718, T replaced by C.
Molecular consequence: intron variant.
Genome position (GRCh38, 1-based): chr12:8,867,732, T>C. VCF-style: chr12-8867732-T-C. GRCh37 (hg19) VCF-style: chr12-9020328-T-C.
Other names: c.2245-110T>C (NM_001282424.3).
Identifiers: ClinVar variation 561611 (VCV000561611.2), dbSNP rs7311897, ClinGen allele CA232704949.
Genomic context (GRCh38, chr12:8,867,732, plus strand): 5'-TGATTTCTAGGCCAGCTTCTCCAGAGGAGGTGGGTATAGTTCTCTAAATACTTAAAGAAG[T>C]CATCATCCAAGCCAACTAACAACAACCAGATGTGTGGGTTATAGAGTTGTTCAAGGTTAA-3'